The following is an entry in ClinVar:

NM_152703.5(SAMD9L):c.4250T>C (p.Val1417Ala)

Gene: SAMD9L (sterile alpha motif domain containing 9 like; minus strand). Cytogenetic location: 7q21.2.
Variant type: single nucleotide variant.
Coding change: c.4250T>C on transcript NM_152703.5 (MANE Select); coding-DNA position 4250, T replaced by C.
Protein change: p.Val1417Ala; replaces valine 1417 with alanine.
Molecular consequence: missense variant.
Genome position (GRCh38, 1-based): chr7:93,131,722, A>G on the plus strand (T>C on the coding strand, the complement: SAMD9L is on the minus strand). VCF-style: chr7-93131722-A-G. GRCh37 (hg19) VCF-style: chr7-92761035-A-G.
Other names: c.4250T>C, p.Val1417Ala (NM_001303496.3, NM_001303497.3, NM_001303498.3 and 5 more transcripts); c.4250T>C (NM_152703.2); short protein forms V1417A.
Identifiers: ClinVar variation 3688134 (VCV003688134.4).
Genomic context (GRCh38, chr7:93,131,722, plus strand): 5'-TCTGGCCAGAACAGGAGGCAGGCCAAGAAATAAGGACCTGGATATTGATGACTTAGTCCT[A>G]CAAATTGCAAGACCTCTCGGAGTTGTTTTTTTAGCGTGGTAAGTGGTTGAATTAACTTGG-3'
Protein context (NP_689916.2, residues 1407-1427): KKQLREVLQF[Val1417Ala]GLSHQYPGPY

ClinVar aggregate classification (germline): Uncertain significance. Review status: criteria provided, multiple submitters, no conflicts (2 of 4 stars). 3 submissions from 3 submitters: Uncertain significance (3). Last evaluated 2025-04-03.

Conditions:
Inborn genetic diseases. Identifiers: MedGen C0950123, MeSH D030342.

gnomAD v4.1: 1 of 1,613,976 alleles (0.000062%); highest among the groups gnomAD compares: Non-Finnish European, 0.000085%; no homozygotes.

Submissions (3):

Ambry Genetics
Classification: Uncertain significance for Inborn genetic diseases. Last evaluated: 2025-04-03. Review status: criteria provided, single submitter. Criteria: Ambry Variant Classification Scheme 2023. Collection method: clinical testing. Allele origin: germline.
Comment: The p.V1417A variant (also known as c.4250T>C), located in coding exon 1 of the SAMD9L gene, results from a T to C substitution at nucleotide position 4250. The valine at codon 1417 is replaced by alanine, an amino acid with similar properties. This amino acid position is conserved. In addition, this alteration is predicted to be tolerated by in silico analysis. Based on the available evidence, the clinical significance of this variant remains unclear.

Labcorp Genetics (formerly Invitae), Labcorp
Classification: Uncertain significance. Last evaluated: 2024-10-21. Review status: criteria provided, single submitter. Criteria: Invitae Variant Classification Sherloc (09022015). Collection method: clinical testing. Allele origin: germline.
Comment: This sequence change replaces valine, which is neutral and non-polar, with alanine, which is neutral and non-polar, at codon 1417 of the SAMD9L protein (p.Val1417Ala). This variant is not present in population databases (gnomAD no frequency). This variant has not been reported in the literature in individuals affected with SAMD9L-related conditions. An algorithm developed to predict the effect of missense changes on protein structure and function outputs the following: PolyPhen-2: "Benign". The alanine amino acid residue is found in multiple mammalian species, which suggests that this missense change does not adversely affect protein function. In summary, the available evidence is currently insufficient to determine the role of this variant in disease. Therefore, it has been classified as a Variant of Uncertain Significance.

Blueprint Genetics
Classification: Uncertain significance. Last evaluated: 2021-03-26. Review status: criteria provided, single submitter. Criteria: ACMG Guidelines, 2015. Collection method: clinical testing. Allele origin: germline.